The following is an entry in ClinVar:

NM_006660.5(CLPX):c.1424A>G (p.Lys475Arg)

Gene: CLPX (caseinolytic mitochondrial matrix peptidase chaperone subunit X; minus strand). Cytogenetic location: 15q22.31.
Variant type: single nucleotide variant.
Coding change: c.1424A>G on transcript NM_006660.5 (MANE Select); coding-DNA position 1424, A replaced by G.
Protein change: p.Lys475Arg; replaces lysine 475 with arginine.
Molecular consequence: missense variant. On other transcripts: non-coding transcript variant (1).
Genome position (GRCh38, 1-based): chr15:65,154,969, T>C on the plus strand (A>G on the coding strand, the complement: CLPX is on the minus strand). VCF-style: chr15-65154969-T-C. GRCh37 (hg19) VCF-style: chr15-65447307-T-C.
Other names: short protein forms K475R.
Identifiers: ClinVar variation 2838864 (VCV002838864.3), dbSNP rs1156407418, ClinGen allele CA392868130.

ClinVar aggregate classification (germline): Uncertain significance (1 of 4 stars; one submission).

Submission:

Labcorp Genetics (formerly Invitae), Labcorp
Classification: Uncertain significance. Last evaluated: 2023-02-22. Review status: criteria provided, single submitter. Criteria: Invitae Variant Classification Sherloc (09022015). Collection method: clinical testing. Allele origin: germline.
Comment: This sequence change replaces lysine, which is basic and polar, with arginine, which is basic and polar, at codon 475 of the CLPX protein (p.Lys475Arg). This variant is present in population databases (no rsID available, gnomAD 0.0009%). In summary, the available evidence is currently insufficient to determine the role of this variant in disease. Therefore, it has been classified as a Variant of Uncertain Significance. Advanced modeling of protein sequence and biophysical properties (such as structural, functional, and spatial information, amino acid conservation, physicochemical variation, residue mobility, and thermodynamic stability) performed at Invitae indicates that this missense variant is not expected to disrupt CLPX protein function. This variant has not been reported in the literature in individuals affected with CLPX-related conditions.